The following is an entry in ClinVar:

NM_003000.3(SDHB):c.70C>A (p.Gln24Lys)

Genes: SDHB (succinate dehydrogenase complex iron sulfur subunit B; minus strand), LOC129929542 (ATAC-STARR-seq lymphoblastoid active region 277; plus strand). Cytogenetic location: 1p36.13.
Variant type: single nucleotide variant.
Coding change: c.70C>A on transcript NM_003000.3 (MANE Select); coding-DNA position 70, C replaced by A.
Protein change: p.Gln24Lys; replaces glutamine 24 with lysine.
Molecular consequence: missense variant.
Genome position (GRCh38, 1-based): chr1:17,053,950, G>T on the plus strand (C>A on the coding strand, the complement: SDHB is on the minus strand). VCF-style: chr1-17053950-G-T. GRCh37 (hg19) VCF-style: chr1-17380445-G-T.
Other names: c.70C>A, p.Gln24Lys (NM_001407361.1); short protein forms Q24K.
Identifiers: ClinVar variation 3754688 (VCV003754688.2).
Genomic context (GRCh38, chr1:17,053,950, plus strand): 5'-CTCCAGGCAGTCTCTGTGGCTTTCCTGACTTTTCCCTCTCTGAGGCTCCAGGACTCACCT[G>T]CAGGCAGGCTCCGCCAAGGGTTGTGGCCGGCAACCGGCGCCTCAAGGAGAGGGCGACCAC-3'
Protein context (NP_002991.2, residues 14-34): PATTLGGACL[Gln24Lys]ASRGAQTAAA

ClinVar aggregate classification (germline): Uncertain significance (1 of 4 stars; one submission).

Conditions:
Pheochromocytoma. Also called: MAX-Related Hereditary Paraganglioma-Pheochromocytoma Syndrome. Identifiers: Orphanet 29072, MedGen C0031511, MONDO:0008233, OMIM 171300, HP:0002666.
Pheochromocytoma/paraganglioma syndrome 4. Also called: CAROTID BODY TUMORS AND MULTIPLE EXTRAADRENAL PHEOCHROMOCYTOMAS; PARAGANGLIOMA, FAMILIAL MALIGNANT; PARAGANGLIOMAS, HEREDITARY EXTRAADRENAL; PHEOCHROMOCYTOMA, FAMILIAL EXTRAADRENAL; Paragangliomas 4; SDHB-Related Hereditary Paraganglioma-Pheochromocytoma Syndrome (Paragangliomas 4). Identifiers: Orphanet 29072, MedGen C1861848, MONDO:0007273, OMIM 115310.
Gastrointestinal stromal tumor. Also called: Gastrointestinal stromal tumor, somatic; Gastrointestinal stroma tumor. Identifiers: Orphanet 44890, MedGen C0238198, MeSH D046152, MONDO:0011719, OMIM 606764, HP:0100723.

Submission:

Labcorp Genetics (formerly Invitae), Labcorp
Classification: Uncertain significance for Gastrointestinal stromal tumor; Pheochromocytoma/paraganglioma syndrome 4; Pheochromocytoma. Last evaluated: 2024-02-15. Review status: criteria provided, single submitter. Criteria: Invitae Variant Classification Sherloc (09022015). Collection method: clinical testing. Allele origin: germline.
Comment: This sequence change replaces glutamine, which is neutral and polar, with lysine, which is basic and polar, at codon 24 of the SDHB protein (p.Gln24Lys). This variant is not present in population databases (gnomAD no frequency). This variant has not been reported in the literature in individuals affected with SDHB-related conditions. An algorithm developed to predict the effect of missense changes on protein structure and function (PolyPhen-2) suggests that this variant is likely to be tolerated. In summary, the available evidence is currently insufficient to determine the role of this variant in disease. Therefore, it has been classified as a Variant of Uncertain Significance.